The following is an entry in ClinVar:

NM_020812.4(DOCK6):c.2437_2440del (p.Ser813fs)

Gene: DOCK6 (dedicator of cytokinesis 6; minus strand). Cytogenetic location: 19p13.2.
Variant type: Deletion.
Coding change: c.2437_2440del on transcript NM_020812.4 (MANE Select); coding-DNA positions 2437 to 2440, 4 bases deleted (AGCC; older notation c.2437_2440delAGCC).
Protein change: p.Ser813fs; shifts the reading frame from serine 813.
Molecular consequence: frameshift variant.
Genome position (GRCh38, 1-based): chr19:11,235,712-11,235,715, GGCT deleted on the plus strand (AGCC on the coding strand, the reverse complement: DOCK6 is on the minus strand); deleting any 4 consecutive bases within chr19:11,235,712-11,235,716 gives the same sequence; the c. name uses the placement nearest the transcript's 3' end. VCF-style (leftmost placement, unchanged base first): chr19-11235711-AGGCT-A. GRCh37 (hg19) VCF-style: chr19-11346387-AGGCT-A.
Other names: c.2437_2440del, p.Ser813fs (NM_001367830.1); short protein forms S813fs.
Identifiers: ClinVar variation 2874238 (VCV002874238.3), dbSNP rs967045461, ClinGen allele CA305331167.
Genomic context (GRCh38, chr19:11,235,711, plus strand): 5'-GCAGCCAGCTGTGGGCAGTGACCGCGGGCATCCTGGGCTGCCTCCAGGCTCCGGTGAACA[AGGCT>A]GACTACATGGGCCATTGCTTCAAAGGCTCCACGGCCCAGGTTCACTGCAGGGCAGAGCAG-3'

ClinVar aggregate classification (germline): Pathogenic (1 of 4 stars; one submission).

Submission:

Labcorp Genetics (formerly Invitae), Labcorp
Classification: Pathogenic. Last evaluated: 2023-11-06. Review status: criteria provided, single submitter. Criteria: Invitae Variant Classification Sherloc (09022015). Collection method: clinical testing. Allele origin: germline.
Comment: This sequence change creates a premature translational stop signal (p.Ser813Leufs*43) in the DOCK6 gene. It is expected to result in an absent or disrupted protein product. Loss-of-function variants in DOCK6 are known to be pathogenic (PMID: 21820096, 25824905). This variant is present in population databases (no rsID available, gnomAD 0.01%). This variant has not been reported in the literature in individuals affected with DOCK6-related conditions. For these reasons, this variant has been classified as Pathogenic.

Literature cited by the submitters: PubMed 21820096; PubMed 25824905.